The following is an entry in ClinVar:

ClinVar aggregate classification (germline): Uncertain significance. Review status: criteria provided, multiple submitters, no conflicts (2 of 4 stars). 2 submissions from 2 submitters: Uncertain significance (2). Last evaluated 2024-02-14.

Conditions:
Inborn genetic diseases. Identifiers: MedGen C0950123, MeSH D030342.

Allele frequency attached by ClinVar (database versions not stated): ExAC 0.00001; gnomAD 0.00001; gnomAD exomes 0.00001; TOPMed 0.00002.
gnomAD v4.1: 14 of 1,611,806 alleles (0.00087%); highest among the groups gnomAD compares: Admixed American, 0.0017%; no homozygotes.

Submissions (3):

Ambry Genetics
Classification: Uncertain significance for Inborn genetic diseases. Last evaluated: 2024-02-14. Review status: criteria provided, single submitter. Criteria: Ambry Variant Classification Scheme 2023. Collection method: clinical testing. Allele origin: germline.

GeneDx
Classification: Uncertain significance. Last evaluated: 2023-03-20. Review status: criteria provided, single submitter. Criteria: GeneDx Variant Classification Process June 2021. Collection method: clinical testing. Allele origin: germline. Affected: yes.
Comment: Not observed at significant frequency in large population cohorts (gnomAD); In silico analysis supports that this missense variant does not alter protein structure/function; Has not been previously published as pathogenic or benign to our knowledge

Dr. Peter K. Rogan Lab, Western University
No classification provided (evidence only). Condition: Cervical cancer. Review status: no classification provided. Collection method: in vitro. Allele origin: not applicable. Functional consequence: retained intron. Not counted in ClinVar's aggregate classification.

NM_139242.4(MTFMT):c.839C>T (p.Ala280Val)

Gene: MTFMT (mitochondrial methionyl-tRNA formyltransferase; minus strand). Cytogenetic location: 15q22.31.
Variant type: single nucleotide variant.
Coding change: c.839C>T on transcript NM_139242.4 (MANE Select); coding-DNA position 839, C replaced by T.
Protein change: p.Ala280Val; replaces alanine 280 with valine.
Molecular consequence: missense variant.
Genome position (GRCh38, 1-based): chr15:65,006,166, G>A on the plus strand (C>T on the coding strand, the complement: MTFMT is on the minus strand). VCF-style: chr15-65006166-G-A. GRCh37 (hg19) VCF-style: chr15-65298504-G-A.
Other names: NC_000015.9:g.65298504G>A; short protein forms A280V.
Identifiers: ClinVar variation 2580542 (VCV002580542.3), dbSNP rs758882234, ClinGen allele CA7613228.